The following is an entry in ClinVar:

ClinVar aggregate classification (germline): Uncertain significance. Review status: criteria provided, multiple submitters, no conflicts (2 of 4 stars). 2 submissions from 2 submitters: Uncertain significance (2). Last evaluated 2024-09-06.

Conditions:
Familial thoracic aortic aneurysm and aortic dissection (TAAD). Also called: Thoracic aortic aneurysms and dissections. Identifiers: Orphanet 91387, MedGen C4707243, MONDO:0019625.

gnomAD v4.1: 2 of 1,613,998 alleles (0.00012%); highest among the groups gnomAD compares: Non-Finnish European, 0.00017%; no homozygotes.

Submissions (2):

Centre of Medical Genetics, University of Antwerp
Classification: Uncertain significance for Familial thoracic aortic aneurysm and aortic dissection. Last evaluated: 2024-09-06. Review status: criteria provided, single submitter. Criteria: ACMG Guidelines, 2015. Collection method: clinical testing. Allele origin: germline. Affected: yes.

ARUP Laboratories, Molecular Genetics and Genomics, ARUP Laboratories
Classification: Uncertain significance. Last evaluated: 2024-08-07. Review status: criteria provided, single submitter. Criteria: ARUP Molecular Germline Variant Investigation Process 2024. Collection method: clinical testing. Allele origin: germline.
Comment: The FBN2 c.4792G>A; p.Gly1598Arg variant (rs1292570631), to our knowledge, is not reported in the medical literature or gene specific databases. This variant is also absent from the Genome Aggregation Database (v2.1.1), indicating it is not a common polymorphism. Computational analyses predict that this variant is deleterious (REVEL: 0.902). Due to limited information, the clinical significance of this variant is uncertain at this time.

NM_001999.4(FBN2):c.4792G>A (p.Gly1598Arg)

Gene: FBN2 (fibrillin 2; minus strand). Cytogenetic location: 5q23.3.
Variant type: single nucleotide variant.
Coding change: c.4792G>A on transcript NM_001999.4 (MANE Select); coding-DNA position 4792, G replaced by A.
Protein change: p.Gly1598Arg; replaces glycine 1598 with arginine.
Molecular consequence: missense variant.
Genome position (GRCh38, 1-based): chr5:128,312,721, C>T on the plus strand (G>A on the coding strand, the complement: FBN2 is on the minus strand). VCF-style: chr5-128312721-C-T. GRCh37 (hg19) VCF-style: chr5-127648413-C-T.
Other names: short protein forms G1598R.
Identifiers: ClinVar variation 3766770 (VCV003766770.2).